The following is an entry in ClinVar:

ClinVar aggregate classification (germline): Uncertain significance (1 of 4 stars; one submission).

Submission:

Labcorp Genetics (formerly Invitae), Labcorp
Classification: Uncertain significance. Last evaluated: 2024-02-23. Review status: criteria provided, single submitter. Criteria: Invitae Variant Classification Sherloc (09022015). Collection method: clinical testing. Allele origin: germline.
Comment: This sequence change replaces valine, which is neutral and non-polar, with leucine, which is neutral and non-polar, at codon 372 of the POLE protein (p.Val372Leu). This variant is not present in population databases (gnomAD no frequency). This variant has not been reported in the literature in individuals affected with POLE-related conditions. Advanced modeling of protein sequence and biophysical properties (such as structural, functional, and spatial information, amino acid conservation, physicochemical variation, residue mobility, and thermodynamic stability) performed at Invitae indicates that this missense variant is not expected to disrupt POLE protein function with a negative predictive value of 80%. In summary, the available evidence is currently insufficient to determine the role of this variant in disease. Therefore, it has been classified as a Variant of Uncertain Significance.

NM_006231.4(POLE):c.1114G>C (p.Val372Leu)

Gene: POLE (DNA polymerase epsilon, catalytic subunit; minus strand). Cytogenetic location: 12q24.33.
Variant type: single nucleotide variant.
Coding change: c.1114G>C on transcript NM_006231.4 (MANE Select); coding-DNA position 1114, G replaced by C.
Protein change: p.Val372Leu; replaces valine 372 with leucine.
Molecular consequence: missense variant.
Genome position (GRCh38, 1-based): chr12:132,675,510, C>G on the plus strand (G>C on the coding strand, the complement: POLE is on the minus strand). VCF-style: chr12-132675510-C-G. GRCh37 (hg19) VCF-style: chr12-133252096-C-G.
Other names: short protein forms V372L.
Identifiers: ClinVar variation 3642700 (VCV003642700.2).